The following is an entry in ClinVar:

ClinVar aggregate classification (germline): Likely pathogenic (1 of 4 stars; one submission).

Conditions:
Dilated cardiomyopathy 1G (CMD1G). Identifiers: Orphanet 154, MedGen C1858763, MONDO:0011400, OMIM 604145.

Submission:

Juno Genomics, Hangzhou Juno Genomics, Inc
Classification: Likely pathogenic for Dilated cardiomyopathy 1G. Review status: criteria provided, single submitter. Criteria: ACMG Guidelines, 2015. Collection method: clinical testing. Allele origin: germline. Affected: yes.
Comment: Absent from controls (or at extremely low frequency if recessive) in Genome Aggregation Database, Exome Sequencing Project, 1000 Genomes Project, or Exome Aggregation Consortium.;Null variant in a gene where loss of function (LOF) is a known mechanism of disease.

NM_001267550.2(TTN):c.79281_79284del (p.Asp26427fs)

Genes: TTN-AS1 (TTN antisense RNA 1; plus strand), TTN (titin; minus strand). Cytogenetic location: 2q31.2.
Variant type: Deletion.
Coding change: c.79281_79284del on transcript NM_001267550.2 (MANE Select); coding-DNA positions 79281 to 79284, 4 bases deleted (CAGA; older notation c.79281_79284delCAGA).
Protein change: p.Asp26427fs; shifts the reading frame from aspartic acid 26427.
Molecular consequence: frameshift variant.
Genome position (GRCh38, 1-based): chr2:178,566,848-178,566,851, TCTG deleted on the plus strand (CAGA on the coding strand, the reverse complement: TTN is on the minus strand); deleting any 4 consecutive bases within chr2:178,566,848-178,566,854 gives the same sequence; the c. name uses the placement nearest the transcript's 3' end. VCF-style (leftmost placement, unchanged base first): chr2-178566847-TTCTG-T. GRCh37 (hg19) VCF-style: chr2-179431574-TTCTG-T.
Other names: c.74358_74361del, p.Asp24786fs (NM_001256850.1); c.52086_52089del, p.Asp17362fs (NM_003319.4); c.71577_71580del, p.Asp23859fs (NM_133378.4); c.52461_52464del, p.Asp17487fs (NM_133432.3); c.52662_52665del, p.Asp17554fs (NM_133437.4); short protein forms D17362fs, D17487fs, D17554fs, D23859fs, D24786fs, D26427fs.
Identifiers: ClinVar variation 4796539 (VCV004796539.1).